The following is an entry in ClinVar:

ClinVar aggregate classification (germline): Pathogenic (1 of 4 stars; one submission).

Conditions:
Bethlem myopathy 1A. Also called: MYOPATHY, BENIGN CONGENITAL, WITH CONTRACTURES; Bethlem Muscular Dystrophy; Bethlem myopathy 1. Identifiers: Orphanet 610, MedGen CN029274, MONDO:0024530, OMIM 158810.

Allele frequency attached by ClinVar (database versions not stated): TOPMed below 0.00001; gnomAD 0.00001; gnomAD exomes 0.00001.

Submission:

Labcorp Genetics (formerly Invitae), Labcorp
Classification: Pathogenic for Bethlem myopathy 1A. Last evaluated: 2025-06-15. Review status: criteria provided, single submitter. Criteria: Invitae Variant Classification Sherloc (09022015). Collection method: clinical testing. Allele origin: germline.
Comment: This sequence change creates a premature translational stop signal (p.Val951Hisfs*41) in the COL6A2 gene. While this is not anticipated to result in nonsense mediated decay, it is expected to disrupt the last 69 amino acid(s) of the COL6A2 protein. This variant is present in population databases (rs762385362, gnomAD 0.007%). This variant has not been reported in the literature in individuals affected with COL6A2-related conditions. ClinVar contains an entry for this variant (Variation ID: 1426820). This variant disrupts a region of the COL6A2 protein in which other variant(s) (p.Tyr1002*) have been determined to be pathogenic (PMID: 29419890). This suggests that this is a clinically significant region of the protein, and that variants that disrupt it are likely to be disease-causing. For these reasons, this variant has been classified as Pathogenic.

Literature cited by the submitters: PubMed 29419890.

NM_001849.4(COL6A2):c.2851_2852del (p.Val951fs)

Gene: COL6A2 (collagen type VI alpha 2 chain; plus strand). Cytogenetic location: 21q22.3.
Variant type: Deletion.
Coding change: c.2851_2852del on transcript NM_001849.4 (MANE Select); coding-DNA positions 2851 to 2852, 2 bases deleted (GT; older notation c.2851_2852delGT).
Protein change: p.Val951fs; shifts the reading frame from valine 951.
Molecular consequence: frameshift variant.
Genome position (GRCh38, 1-based): chr21:46,132,343-46,132,344, GT deleted. VCF-style (leftmost placement, unchanged base first): chr21-46132342-CGT-C. GRCh37 (hg19) VCF-style: chr21-47552256-CGT-C.
Other names: short protein forms V951fs.
Identifiers: ClinVar variation 1426820 (VCV001426820.8), dbSNP rs762385362, ClinGen allele CA10073053.